The following is an entry in ClinVar:

ClinVar aggregate classification (germline): Uncertain significance. Review status: criteria provided, multiple submitters, no conflicts (2 of 4 stars). 3 submissions from 3 submitters: Uncertain significance (3). Last evaluated 2025-01-30.

Conditions:
POLD1-related disorder. Also called: POLD1-related disorders; POLD1-related condition.
POLD1-related polyposis and colorectal cancer syndrome (CRCS10). Also called: Colorectal cancer 10; COLORECTAL CANCER, SUSCEPTIBILITY TO, ON CHROMOSOME 19q; Colorectal cancer, susceptibility to, 10. Identifiers: Orphanet 220460, MedGen C2675481, MONDO:0012953, OMIM 612591.
Hereditary cancer-predisposing syndrome. Also called: Tumor predisposition; Hereditary Cancer Syndrome; Hereditary neoplastic syndrome; Neoplastic Syndromes, Hereditary. Identifiers: Orphanet 140162, MedGen C0027672, MeSH D009386, MONDO:0015356.

Submissions (3):

Ambry Genetics
Classification: Uncertain significance for Hereditary cancer-predisposing syndrome. Last evaluated: 2025-01-30. Review status: criteria provided, single submitter. Criteria: Ambry Variant Classification Scheme 2023. Collection method: clinical testing. Allele origin: germline.
Comment: The p.G324R variant (also known as c.970G>C), located in coding exon 7 of the POLD1 gene, results from a G to C substitution at nucleotide position 970. The glycine at codon 324 is replaced by arginine, an amino acid with dissimilar properties. However, this change occurs in the last base pair of coding exon 7, which makes it likely to have some effect on normal mRNA splicing. This nucleotide position is highly conserved in available vertebrate species. This amino acid position is highly conserved in available vertebrate species. In silico splice site analysis predicts that this alteration will weaken the native splice donor site. In addition, as a missense substitution this is predicted to be inconclusive by in silico analysis. However, loss of function of POLD1 has not been established as a mechanism of disease. Based on the available evidence, the clinical significance of this alteration remains unclear.

Labcorp Genetics (formerly Invitae), Labcorp
Classification: Uncertain significance for POLD1-related polyposis and colorectal cancer syndrome. Last evaluated: 2024-03-07. Review status: criteria provided, single submitter. Criteria: Invitae Variant Classification Sherloc (09022015). Collection method: clinical testing. Allele origin: germline.
Comment: This sequence change replaces glycine, which is neutral and non-polar, with arginine, which is basic and polar, at codon 324 of the POLD1 protein (p.Gly324Arg). This variant also falls at the last nucleotide of exon 8, which is part of the consensus splice site for this exon. This variant is not present in population databases (gnomAD no frequency). This variant has not been reported in the literature in individuals affected with POLD1-related conditions. ClinVar contains an entry for this variant (Variation ID: 973296). An algorithm developed to predict the effect of missense changes on protein structure and function (PolyPhen-2) suggests that this variant is likely to be disruptive. Variants that disrupt the consensus splice site are a relatively common cause of aberrant splicing (PMID: 17576681, 9536098). Algorithms developed to predict the effect of sequence changes on RNA splicing suggest that this variant may disrupt the consensus splice site. In summary, the available evidence is currently insufficient to determine the role of this variant in disease. Therefore, it has been classified as a Variant of Uncertain Significance.

Illumina Laboratory Services, Illumina
Classification: Uncertain significance for POLD1-related disorders. Last evaluated: 2019-12-05. Review status: criteria provided, single submitter. Criteria: ICSLVariantClassificationCriteria RUGD 01 April 2020. Collection method: clinical testing. Allele origin: unknown.
Comment: The POLD1 c.970G>C (p.Gly324Arg) variant is a missense variant. A literature search was performed for the gene, cDNA change, and amino acid change. No publications were found based on this search. The p.Gly324Arg variant is not found in the Genome Aggregation Database, in a region of good sequence coverage, so is presumed to be rare. The Gly324 residue maps to the exonuclease domain of the protein. Based on the limited evidence, the p.Gly324Arg variant is classified as a variant of unknown significance for POLD1-related disorders.

Literature cited by the submitters: PubMed 17576681 (cited by Labcorp Genetics (formerly Invitae), Labcorp); PubMed 9536098 (cited by Labcorp Genetics (formerly Invitae), Labcorp).

NM_002691.4(POLD1):c.970G>C (p.Gly324Arg)

Gene: POLD1 (DNA polymerase delta 1, catalytic subunit; plus strand). Cytogenetic location: 19q13.33.
Variant type: single nucleotide variant.
Coding change: c.970G>C on transcript NM_002691.4 (MANE Select); coding-DNA position 970, G replaced by C.
Protein change: p.Gly324Arg; replaces glycine 324 with arginine.
Molecular consequence: missense variant. On other transcripts: non-coding transcript variant (1).
Genome position (GRCh38, 1-based): chr19:50,402,741, G>C. VCF-style: chr19-50402741-G-C. GRCh37 (hg19) VCF-style: chr19-50905998-G-C.
Other names: c.970G>C, p.Gly324Arg (NM_001256849.1, NM_001308632.1); c.970G>C (NM_002691.2); short protein forms G324R.
Identifiers: ClinVar variation 973296 (VCV000973296.7), dbSNP rs1160832458, ClinGen allele CA406977496.